The following is an entry in ClinVar:

NM_000268.4(NF2):c.364-5T>A

Gene: NF2 (NF2, moesin-ezrin-radixin like (MERLIN) tumor suppressor; plus strand). Cytogenetic location: 22q12.2.
Variant type: single nucleotide variant.
Coding change: c.364-5T>A on transcript NM_000268.4 (MANE Select); 5 bases into the intron before coding-DNA position 364, T replaced by A.
Molecular consequence: intron variant.
Genome position (GRCh38, 1-based): chr22:29,642,197, T>A. VCF-style: chr22-29642197-T-A. GRCh37 (hg19) VCF-style: chr22-30038186-T-A.
Other names: c.241-5T>A (NM_181829.3); c.238-5T>A (NM_181828.3); c.115-5T>A (NM_181830.3, NM_181831.3); c.364-5T>A (NM_181825.3, NM_016418.5, NM_181832.3 and 1 more transcripts).
Identifiers: ClinVar variation 1692363 (VCV001692363.2), dbSNP rs1330676517, ClinGen allele CA2573157879.

ClinVar aggregate classification (germline): Conflicting classifications of pathogenicity. Review status: criteria provided, conflicting classifications (1 of 4 stars). 2 submissions from 2 submitters: Uncertain significance (1); Likely benign (1). Last evaluated 2025-08-22.

Conditions:
Neurofibromatosis, type 2 (SWNV). Also called: BILATERAL ACOUSTIC NEUROFIBROMATOSIS; SCHWANNOMATOSIS, VESTIBULAR; NF2-Related Schwannomatosis. Identifiers: Orphanet 637, MedGen C0027832, MONDO:0007039, OMIM 101000. Disease mechanism: loss of function.
Hereditary cancer-predisposing syndrome. Also called: Hereditary neoplastic syndrome; Hereditary Cancer Syndrome; Tumor predisposition; Neoplastic Syndromes, Hereditary. Identifiers: Orphanet 140162, MedGen C0027672, MeSH D009386, MONDO:0015356.

Submissions (2):

Labcorp Genetics (formerly Invitae), Labcorp
Classification: Likely benign for Neurofibromatosis, type 2. Last evaluated: 2025-08-22. Review status: criteria provided, single submitter. Criteria: Invitae Variant Classification Sherloc (09022015). Collection method: clinical testing. Allele origin: germline.

Sema4
Classification: Uncertain significance for Hereditary cancer-predisposing syndrome. Last evaluated: 2021-10-08. Review status: criteria provided, single submitter. Criteria: Sema4 Curation Guidelines. Collection method: curation. Allele origin: germline.
Comment: The NF2 c.364-5T>A variant has not been reported in the literature to our knowledge. This variant is not reported in the population database Genome Aggregation Database (PMID: 32461654) nor in ClinVar. Functional studies have not been performed, and in silico predictions of the variant's effect on splicing are inconclusive.The evidence is insufficient to meet ACMG/AMP criteria for classifying the variant as benign or pathogenic. Thus, the clinical significance of this variant is currently uncertain.